The following is an entry in ClinVar:

ClinVar aggregate classification (germline): Uncertain significance (1 of 4 stars; one submission).

Conditions:
Nemaline myopathy 2 (NEM2). Also called: Nemaline myopathy 2, autosomal recessive. Identifiers: MedGen C1850569, MONDO:0009725, OMIM 256030.

Submission:

Labcorp Genetics (formerly Invitae), Labcorp
Classification: Uncertain significance for Nemaline myopathy 2. Last evaluated: 2022-03-09. Review status: criteria provided, single submitter. Criteria: Invitae Variant Classification Sherloc (09022015). Collection method: clinical testing. Allele origin: germline.
Comment: This sequence change replaces lysine, which is basic and polar, with arginine, which is basic and polar, at codon 7524 of the NEB protein (p.Lys7524Arg). This variant is not present in population databases (gnomAD no frequency). This variant has not been reported in the literature in individuals affected with NEB-related conditions. ClinVar contains an entry for this variant (Variation ID: 1025011). Algorithms developed to predict the effect of missense changes on protein structure and function output the following: SIFT: "Deleterious"; PolyPhen-2: "Not Available"; Align-GVGD: "Class C0". The arginine amino acid residue is found in multiple mammalian species, which suggests that this missense change does not adversely affect protein function. In summary, the available evidence is currently insufficient to determine the role of this variant in disease. Therefore, it has been classified as a Variant of Uncertain Significance.

NM_001164508.2(NEB):c.22466A>G (p.Lys7489Arg)

Genes: NEB (nebulin; minus strand), RIF1 (replication timing regulatory factor 1; plus strand). Cytogenetic location: 2q23.3.
Variant type: single nucleotide variant.
Coding change: c.22466A>G on transcript NM_001164508.2 (MANE Select); coding-DNA position 22466, A replaced by G.
Protein change: p.Lys7489Arg; replaces lysine 7489 with arginine.
Molecular consequence: missense variant.
Genome position (GRCh38, 1-based): chr2:151,524,324, T>C on the plus strand (A>G on the coding strand, the complement: NEB is on the minus strand). VCF-style: chr2-151524324-T-C. GRCh37 (hg19) VCF-style: chr2-152380838-T-C.
Other names: c.22466A>G, p.Lys7489Arg (NM_001164507.2); c.22571A>G, p.Lys7524Arg (NM_001271208.2); c.17363A>G, p.Lys5788Arg (NM_004543.5); short protein forms K5788R, K7489R, K7524R.
Identifiers: ClinVar variation 1025011 (VCV001025011.6), dbSNP rs2084038575, ClinGen allele CA348764482.